The following is an entry in ClinVar:

NM_000388.4(CASR):c.734A>G (p.Gln245Arg)

Gene: CASR (calcium sensing receptor; plus strand). Cytogenetic location: 3q21.1.
Variant type: single nucleotide variant.
Coding change: c.734A>G on transcript NM_000388.4 (MANE Select); coding-DNA position 734, A replaced by G.
Protein change: p.Gln245Arg; replaces glutamine 245 with arginine.
Molecular consequence: missense variant.
Genome position (GRCh38, 1-based): chr3:122,261,769, A>G. VCF-style: chr3-122261769-A-G. GRCh37 (hg19) VCF-style: chr3-121980616-A-G.
Other names: c.734A>G, p.Gln245Arg (NM_001178065.2); short protein forms Q245R.
Identifiers: ClinVar variation 2203414 (VCV002203414.4), dbSNP rs2473226212, ClinGen allele CA354151238.

ClinVar aggregate classification (germline): Pathogenic (1 of 4 stars; one submission).

Conditions:
Autosomal dominant hypocalcemia 1 (HYPOC1). Also called: HYPOCALCEMIA, FAMILIAL. Identifiers: MedGen C3715128, MONDO:0011013, OMIM 601198.
Familial hypocalciuric hypercalcemia (FHH). Also called: Familial benign hypercalcemia. Identifiers: Orphanet 405, MedGen C1809471, MONDO:0018458.

Submission:

Labcorp Genetics (formerly Invitae), Labcorp
Classification: Pathogenic for Familial hypocalciuric hypercalcemia; Autosomal dominant hypocalcemia 1. Last evaluated: 2023-04-07. Review status: criteria provided, single submitter. Criteria: Invitae Variant Classification Sherloc (09022015). Collection method: clinical testing. Allele origin: germline.
Comment: An algorithm developed to predict the effect of missense changes on protein structure and function (PolyPhen-2) suggests that this variant is likely to be disruptive. For these reasons, this variant has been classified as Pathogenic. Experimental studies have shown that this missense change affects CASR function (PMID: 11136551). ClinVar contains an entry for this variant (Variation ID: 2203414). This missense change has been observed in individual(s) with familial hypocalcemia (PMID: 11136551). It has also been observed to segregate with disease in related individuals. This variant is not present in population databases (gnomAD no frequency). This sequence change replaces glutamine, which is neutral and polar, with arginine, which is basic and polar, at codon 245 of the CASR protein (p.Gln245Arg).

Literature cited by the submitters: PubMed 11136551.